The following is an entry in ClinVar:

ClinVar aggregate classification (germline): Uncertain significance (1 of 4 stars; one submission).

Conditions:
Catecholaminergic polymorphic ventricular tachycardia 1. Also called: RYR2-Related Catecholaminergic Polymorphic Ventricular Tachycardia; VENTRICULAR TACHYCARDIA, CATECHOLAMINERGIC POLYMORPHIC, 1, WITH OR WITHOUT ATRIAL DYSFUNCTION AND/OR DILATED CARDIOMYOPATHY; VENTRICULAR TACHYCARDIA, STRESS-INDUCED POLYMORPHIC 1. Identifiers: Orphanet 3286, MedGen C1631597, MONDO:0011484, OMIM 604772.

Submission:

Labcorp Genetics (formerly Invitae), Labcorp
Classification: Uncertain significance for Catecholaminergic polymorphic ventricular tachycardia 1. Last evaluated: 2022-08-06. Review status: criteria provided, single submitter. Criteria: Invitae Variant Classification Sherloc (09022015). Collection method: clinical testing. Allele origin: germline.
Comment: This variant, c.7010_7012del, results in the deletion of 1 amino acid(s) of the RYR2 protein (p.Gly2337del), but otherwise preserves the integrity of the reading frame. This variant is not present in population databases (gnomAD no frequency). This variant has not been reported in the literature in individuals affected with RYR2-related conditions. This variant disrupts the p.Gly2337 amino acid residue in RYR2. Other variant(s) that disrupt this residue have been determined to be pathogenic (Invitae). This suggests that this residue is clinically significant, and that variants that disrupt this residue are likely to be disease-causing. In summary, the available evidence is currently insufficient to determine the role of this variant in disease. Therefore, it has been classified as a Variant of Uncertain Significance.

NM_001035.3(RYR2):c.7007GAG[1] (p.Gly2337del)

Gene: RYR2 (ryanodine receptor 2; plus strand). Cytogenetic location: 1q43.
Variant type: Microsatellite.
Coding change: c.7007GAG[1] on transcript NM_001035.3 (MANE Select); one copy of the 3-base unit GAG starting at c.7007; the reference has two copies in a row; one copy, 3 bases deleted.
Protein change: p.Gly2337del; deletes glycine 2337.
Molecular consequence: inframe deletion.
Genome position (GRCh38, 1-based): chr1:237,639,096-237,639,098, GAG deleted; deleting any 3 consecutive bases within chr1:237,639,093-237,639,098 gives the same sequence; the position shown is the placement nearest the transcript's 3' end. VCF-style (leftmost placement, unchanged base first): chr1-237639092-AGAG-A. GRCh37 (hg19) VCF-style: chr1-237802392-AGAG-A.
Other names: short protein forms G2337del.
Identifiers: ClinVar variation 1967319 (VCV001967319.5), dbSNP rs2546964304, ClinGen allele CA2580611571.